The following is an entry in ClinVar:

NM_003982.4(SLC7A7):c.1263_1269del (p.Ile422fs)

Gene: SLC7A7 (solute carrier family 7 member 7; minus strand). Cytogenetic location: 14q11.2.
Variant type: Deletion.
Coding change: c.1263_1269del on transcript NM_003982.4 (MANE Select); coding-DNA positions 1263 to 1269, 7 bases deleted (GATTGTC; older notation c.1263_1269delGATTGTC).
Protein change: p.Ile422fs; shifts the reading frame from isoleucine 422.
Molecular consequence: frameshift variant.
Genome position (GRCh38, 1-based): chr14:22,774,093-22,774,099, GACAATC deleted on the plus strand (GATTGTC on the coding strand, the reverse complement: SLC7A7 is on the minus strand); deleting any 7 consecutive bases within chr14:22,774,093-22,774,100 gives the same sequence; the c. name uses the placement nearest the transcript's 3' end. VCF-style (leftmost placement, unchanged base first): chr14-22774092-AGACAATC-A. GRCh37 (hg19) VCF-style: chr14-23243301-AGACAATC-A.
Other names: c.1263_1269del, p.Ile422fs (NM_001126105.3, NM_001126106.4); short protein forms I422fs.
Identifiers: ClinVar variation 1070969 (VCV001070969.10), dbSNP rs2139383552, ClinGen allele CA2499222560.

ClinVar aggregate classification (germline): Pathogenic/Likely pathogenic. Review status: criteria provided, multiple submitters, no conflicts (2 of 4 stars). 2 submissions from 2 submitters: Pathogenic (1); Likely pathogenic (1). Last evaluated 2025-12-01.

Conditions:
Lysinuric protein intolerance (LPI). Identifiers: Orphanet 470, MedGen C0268647, MONDO:0009109, OMIM 222700.

Submissions (2):

Labcorp Genetics (formerly Invitae), Labcorp
Classification: Pathogenic for Lysinuric protein intolerance. Last evaluated: 2025-12-01. Review status: criteria provided, single submitter. Criteria: Invitae Variant Classification Sherloc (09022015). Collection method: clinical testing. Allele origin: germline.
Comment: This sequence change is expected to alter the c-terminus of the SLC7A7 protein (p.Ile422Serfs*95). While this is not anticipated to result in nonsense mediated decay, it is expected to disrupt the last 90 amino acid(s) of the SLC7A7 protein and extend the protein by 4 additional amino acid residues. This variant is not present in population databases (gnomAD no frequency). This variant has not been reported in the literature in individuals affected with SLC7A7-related conditions. ClinVar contains an entry for this variant (Variation ID: 1070969). Algorithms developed to predict the effect of sequence changes on RNA splicing suggest that this variant may disrupt the consensus splice site. This variant disrupts a region of the SLC7A7 protein in which other variant(s) (p.Arg468*, p.Cys487Leufs*32) have been determined to be pathogenic (PMID: 10655553, 18716612). This suggests that this is a clinically significant region of the protein, and that variants that disrupt it are likely to be disease-causing. For these reasons, this variant has been classified as Pathogenic.

Baylor Genetics
Classification: Likely pathogenic for Lysinuric protein intolerance. Last evaluated: 2023-08-03. Review status: criteria provided, single submitter. Criteria: ACMG Guidelines, 2015. Collection method: clinical testing. Allele origin: unknown.

Literature cited by the submitters: PubMed 10655553 (cited by Labcorp Genetics (formerly Invitae), Labcorp); PubMed 18716612 (cited by Labcorp Genetics (formerly Invitae), Labcorp).